The following is an entry in ClinVar:

NM_000218.3(KCNQ1):c.1268T>A (p.Phe423Tyr)

Gene: KCNQ1 (potassium voltage-gated channel subfamily Q member 1; plus strand). Cytogenetic location: 11p15.5.
Variant type: single nucleotide variant.
Coding change: c.1268T>A on transcript NM_000218.3 (MANE Select); coding-DNA position 1268, T replaced by A.
Protein change: p.Phe423Tyr; replaces phenylalanine 423 with tyrosine.
Molecular consequence: missense variant.
Genome position (GRCh38, 1-based): chr11:2,588,729, T>A. VCF-style: chr11-2588729-T-A. GRCh37 (hg19) VCF-style: chr11-2609959-T-A.
Other names: c.1172T>A, p.Phe391Tyr (NM_001406836.1); c.998T>A, p.Phe333Tyr (NM_001406837.1); c.728T>A, p.Phe243Tyr (NM_001406838.1); c.887T>A, p.Phe296Tyr (NM_181798.2); short protein forms F243Y, F296Y, F333Y, F391Y, F423Y.
Identifiers: ClinVar variation 4756815 (VCV004756815.1).

ClinVar aggregate classification (germline): Uncertain significance (1 of 4 stars; one submission).

Conditions:
Cardiac arrhythmia. Also called: Arrhythmia; Cardiac rhythm disease. Identifiers: MedGen C0003811, MONDO:0007263, HP:0011675.

Submission:

Color Diagnostics, LLC DBA Color Health
Classification: Uncertain significance for Cardiac arrhythmia. Last evaluated: 2025-06-23. Review status: criteria provided, single submitter. Criteria: ACMG Guidelines, 2015. Collection method: clinical testing. Allele origin: germline.
Comment: This missense variant replaces phenylalanine with tyrosine at codon 423 of the KCNQ1 protein. Computational prediction is inconclusive regarding the impact of this variant on protein structure and function. To our knowledge, functional studies have not been reported for this variant. This variant has not been reported in individuals affected with KCNQ1-related disorders in the literature. This variant has not been identified in the general population by the Genome Aggregation Database (gnomAD). The available evidence is insufficient to determine the role of this variant in disease conclusively. Therefore, this variant is classified as a Variant of Uncertain Significance.